The following is an entry in ClinVar:

NM_002439.5(MSH3):c.2386C>T (p.Arg796Trp)

Gene: MSH3 (mutS homolog 3; plus strand). Cytogenetic location: 5q14.1.
Variant type: single nucleotide variant.
Coding change: c.2386C>T on transcript NM_002439.5 (MANE Select); coding-DNA position 2386, C replaced by T.
Protein change: p.Arg796Trp; replaces arginine 796 with tryptophan.
Molecular consequence: missense variant.
Genome position (GRCh38, 1-based): chr5:80,778,787, C>T. VCF-style: chr5-80778787-C-T. GRCh37 (hg19) VCF-style: chr5-80074606-C-T.
Other names: short protein forms R796W.
Identifiers: ClinVar variation 664094 (VCV000664094.16), dbSNP rs372431614, ClinGen allele CA3328236.

ClinVar aggregate classification (germline): Uncertain significance. Review status: criteria provided, multiple submitters, no conflicts (2 of 4 stars). 5 submissions from 5 submitters: Uncertain significance (5). Last evaluated 2026-02-03.

Conditions:
MSH3-related disorder. Also called: MSH3-related condition.
Hereditary cancer-predisposing syndrome. Also called: Tumor predisposition; Hereditary neoplastic syndrome; Hereditary Cancer Syndrome; Neoplastic Syndromes, Hereditary. Identifiers: Orphanet 140162, MedGen C0027672, MeSH D009386, MONDO:0015356.

Allele frequency attached by ClinVar (database versions not stated): ExAC 0.00003; gnomAD 0.00005 and 0.00007; gnomAD exomes 0.00005; TOPMed 0.00006; ESP Exome Variant Server 0.00008.
gnomAD v4.1: 61 of 1,612,618 alleles (0.0038%); highest among the groups gnomAD compares: South Asian, 0.024%; 1 homozygote.

Submissions (5):

Labcorp Genetics (formerly Invitae), Labcorp
Classification: Uncertain significance. Last evaluated: 2026-02-03. Review status: criteria provided, single submitter. Criteria: Invitae Variant Classification Sherloc (09022015). Collection method: clinical testing. Allele origin: germline.
Comment: This sequence change replaces arginine, which is basic and polar, with tryptophan, which is neutral and slightly polar, at codon 796 of the MSH3 protein (p.Arg796Trp). This variant is present in population databases (rs372431614, gnomAD 0.03%). This missense change has been observed in individual(s) with clinical features of MSH3-related conditions (PMID: 20160730). ClinVar contains an entry for this variant (Variation ID: 664094). An algorithm developed to predict the effect of missense changes on protein structure and function (PolyPhen-2) suggests that this variant is likely to be disruptive. Experimental studies have shown that this missense change does not substantially affect MSH3 function (PMID: 20160730). RNA analysis performed to evaluate the impact of this missense change on mRNA splicing indicates it does not significantly alter splicing (internal data). In summary, the available evidence is currently insufficient to determine the role of this variant in disease. Therefore, it has been classified as a Variant of Uncertain Significance.

PreventionGenetics, part of Exact Sciences
Classification: Uncertain significance for MSH3-related condition. Last evaluated: 2025-12-09. Review status: criteria provided, single submitter. Criteria: ACMG Guidelines, 2015. Collection method: clinical testing. Allele origin: germline.
Comment: The MSH3 c.2386C>T variant is predicted to result in the amino acid substitution p.Arg796Trp. This variant has been reported in the literature in a putative HNPCC family and experimental studies showed this variant did not negatively impact MSH3 function (Kantelinen et al. 2010. PubMed ID: 20160730). This variant is reported in 0.023% of alleles in individuals of South Asian descent in gnomAD. This variant is interpreted as uncertain in ClinVar (Variation ID: 664094). At this time, the clinical significance of this variant is uncertain due to the absence of conclusive functional and genetic evidence.

Ambry Genetics
Classification: Uncertain significance for Hereditary cancer-predisposing syndrome. Last evaluated: 2023-11-27. Review status: criteria provided, single submitter. Criteria: Ambry Variant Classification Scheme 2023. Collection method: clinical testing. Allele origin: germline.
Comment: The p.R796W variant (also known as c.2386C>T), located in coding exon 17 of the MSH3 gene, results from a C to T substitution at nucleotide position 2386. The arginine at codon 796 is replaced by tryptophan, an amino acid with dissimilar properties. This alteration demonstrated proficient mismatch repair activity in one in vitro assay (Kantelinen J et al. Br. J. Cancer, 2010 Mar;102:1068-73). This amino acid position is highly conserved in available vertebrate species. In addition, this alteration is predicted to be deleterious by in silico analysis. Since supporting evidence is limited at this time, the clinical significance of this alteration remains unclear.

Quest Diagnostics Nichols Institute San Juan Capistrano
Classification: Uncertain significance. Last evaluated: 2023-08-14. Review status: criteria provided, single submitter. Criteria: Quest Diagnostics criteria. Collection method: clinical testing. Allele origin: unknown.
Comment: In the published literature, this variant has been reported in a family suspected of Lynch Syndrome (PMID: 20160730 (2010)). This variant has also been reported to have proficient MMR efficiency (PMID: 20160730 (2010)). The frequency of this variant in the general population, 0.00023 (7/30612 chromosomes (Genome Aggregation Database)), is uninformative in the assessment of its pathogenicity. Analysis of this variant using bioinformatics tools for the prediction of the effect of amino acid changes on protein structure and function yielded conflicting predictions that this variant is benign or damaging. Based on the available information, we are unable to determine the clinical significance of this variant.

Sema4
Classification: Uncertain significance for Hereditary cancer-predisposing syndrome. Last evaluated: 2021-10-27. Review status: criteria provided, single submitter. Criteria: Sema4 Curation Guidelines. Collection method: curation. Allele origin: germline.
Comment: The MSH3 c.2386C>T (p.R796W) variant has been reported in a putative Lynch syndrome family (PMID: 20160730). It was observed in 7/30612 chromosomes of the South Asian subpopulation with one homozygote in the large and broad cohorts of the Genome Aggregation Database (PMID: 32461654). The variant has been reported in ClinVar (Variation ID 664094). In silico tools suggest that the impact of the variant on protein function is deleterious, but a functional study demonstrated similar to normal mismatch repair efficiency (PMID: 20160730). The evidence is insufficient to meet ACMG/AMP criteria for classifying the variant as benign or pathogenic. Thus, the clinical significance of this variant is currently uncertain.

Literature cited by the submitters: PubMed 20160730 (cited by 4 submitters).